The following is an entry in ClinVar:

ClinVar aggregate classification (germline): Benign/Likely benign. Review status: criteria provided, multiple submitters, no conflicts (2 of 4 stars). 3 submissions from 3 submitters: Benign (1); Likely benign (2). Last evaluated 2025-04-05.

Conditions:
Juvenile polyposis syndrome (JPS). Identifiers: Orphanet 2929, MedGen C0345893, MONDO:0017380, OMIM 174900.
Hereditary cancer-predisposing syndrome. Also called: Hereditary Cancer Syndrome; Tumor predisposition; Hereditary neoplastic syndrome; Neoplastic Syndromes, Hereditary. Identifiers: Orphanet 140162, MedGen C0027672, MeSH D009386, MONDO:0015356.

gnomAD v4.1: 1 of 1,614,110 alleles (0.000062%); highest among the groups gnomAD compares: South Asian, 0.0011%; no homozygotes.

Submissions (3):

Ambry Genetics
Classification: Likely benign for Hereditary cancer-predisposing syndrome. Last evaluated: 2025-04-05. Review status: criteria provided, single submitter. Criteria: Ambry Variant Classification Scheme 2023. Collection method: clinical testing. Allele origin: germline.

Myriad Genetics, Inc.
Classification: Benign for Juvenile polyposis syndrome. Last evaluated: 2024-07-31. Review status: criteria provided, single submitter. Criteria: Myriad Autosomal Dominant, Autosomal Recessive and X-Linked Classification Criteria (2023). Collection method: clinical testing. Allele origin: unknown.
Comment: This variant is considered benign. This variant is a silent/synonymous amino acid change and it is not expected to impact splicing.

Labcorp Genetics (formerly Invitae), Labcorp
Classification: Likely benign for Juvenile polyposis syndrome. Last evaluated: 2024-05-28. Review status: criteria provided, single submitter. Criteria: Invitae Variant Classification Sherloc (09022015). Collection method: clinical testing. Allele origin: germline.

NM_004329.3(BMPR1A):c.165C>T (p.Thr55=)

Gene: BMPR1A (bone morphogenetic protein receptor type 1A; plus strand). Cytogenetic location: 10q23.2.
Variant type: single nucleotide variant.
Coding change: c.165C>T on transcript NM_004329.3 (MANE Select); coding-DNA position 165, C replaced by T.
Protein change: p.Thr55=; no amino-acid change (threonine 55 retained).
Molecular consequence: synonymous variant. On other transcripts: non-coding transcript variant (3).
Genome position (GRCh38, 1-based): chr10:86,890,159, C>T. VCF-style: chr10-86890159-C-T. GRCh37 (hg19) VCF-style: chr10-88649916-C-T.
Other names: c.165C>T, p.Thr55= (NM_001406559.1, NM_001406560.1, NM_001406561.1 and 23 more transcripts); c.81C>T, p.Thr27= (NM_001406584.1, NM_001406585.1, NM_001406586.1 and 2 more transcripts).
Identifiers: ClinVar variation 3378605 (VCV003378605.4).